The following is an entry in ClinVar:

NM_001868.4(CPA1):c.1137C>A (p.Phe379Leu)

Gene: CPA1 (carboxypeptidase A1; plus strand). Cytogenetic location: 7q32.2.
Variant type: single nucleotide variant.
Coding change: c.1137C>A on transcript NM_001868.4 (MANE Select); coding-DNA position 1137, C replaced by A.
Protein change: p.Phe379Leu; replaces phenylalanine 379 with leucine.
Molecular consequence: missense variant.
Genome position (GRCh38, 1-based): chr7:130,387,888, C>A. VCF-style: chr7-130387888-C-A. GRCh37 (hg19) VCF-style: chr7-130027729-C-A.
Other names: c.1137C>A (NM_001868.2); short protein forms F379L.
Identifiers: ClinVar variation 1061302 (VCV001061302.10), dbSNP rs570466241, ClinGen allele CA369284318.

ClinVar aggregate classification (germline): Uncertain significance. Review status: criteria provided, multiple submitters, no conflicts (2 of 4 stars). 2 submissions from 2 submitters: Uncertain significance (2). Last evaluated 2023-10-29.

Conditions:
Hereditary pancreatitis (PCTT). Also called: Hereditary chronic pancreatitis; PRSS1-Related Hereditary Pancreatitis. Identifiers: Orphanet 676, MedGen C0238339, MONDO:0008185, OMIM 167800.

Submissions (2):

Ambry Genetics
Classification: Uncertain significance for Hereditary pancreatitis. Last evaluated: 2023-10-29. Review status: criteria provided, single submitter. Criteria: Ambry Variant Classification Scheme 2023. Collection method: clinical testing. Allele origin: germline.
Comment: The p.F379L variant (also known as c.1137C>A), located in coding exon 10 of the CPA1 gene, results from a C to A substitution at nucleotide position 1137. The phenylalanine at codon 379 is replaced by leucine, an amino acid with highly similar properties. This amino acid position is conserved. In addition, the in silico prediction for this alteration is inconclusive. Since supporting evidence is limited at this time, the clinical significance of this alteration remains unclear.

Labcorp Genetics (formerly Invitae), Labcorp
Classification: Uncertain significance. Last evaluated: 2020-10-05. Review status: criteria provided, single submitter. Criteria: Invitae Variant Classification Sherloc (09022015). Collection method: clinical testing. Allele origin: germline.
Comment: This sequence change replaces phenylalanine with leucine at codon 379 of the CPA1 protein (p.Phe379Leu). The phenylalanine residue is highly conserved and there is a small physicochemical difference between phenylalanine and leucine. This variant is not present in population databases (ExAC no frequency). This variant has not been reported in the literature in individuals with CPA1-related conditions. Algorithms developed to predict the effect of missense changes on protein structure and function are either unavailable or do not agree on the potential impact of this missense change (SIFT: "Tolerated"; PolyPhen-2: "Possibly Damaging"; Align-GVGD: "Class C0"). Algorithms developed to predict the effect of sequence changes on RNA splicing suggest that this variant may create or strengthen a splice site, but this prediction has not been confirmed by published transcriptional studies. In summary, the available evidence is currently insufficient to determine the role of this variant in disease. Therefore, it has been classified as a Variant of Uncertain Significance.